The following is an entry in ClinVar:

NM_001211.6(BUB1B):c.22G>T (p.Gly8Trp)

Genes: BUB1B (BUB1 mitotic checkpoint serine/threonine kinase B; plus strand), LOC130056830 (ATAC-STARR-seq lymphoblastoid active region 9236; plus strand). Cytogenetic location: 15q15.1.
Variant type: single nucleotide variant.
Coding change: c.22G>T on transcript NM_001211.6 (MANE Select); coding-DNA position 22, G replaced by T.
Protein change: p.Gly8Trp; replaces glycine 8 with tryptophan.
Molecular consequence: missense variant.
Genome position (GRCh38, 1-based): chr15:40,161,242, G>T. VCF-style: chr15-40161242-G-T. GRCh37 (hg19) VCF-style: chr15-40453443-G-T.
Other names: short protein forms G8W.
Identifiers: ClinVar variation 2107523 (VCV002107523.5), dbSNP rs2037039568, ClinGen allele CA391676487.

ClinVar aggregate classification (germline): Uncertain significance. Review status: criteria provided, multiple submitters, no conflicts (2 of 4 stars). 2 submissions from 2 submitters: Uncertain significance (2). Last evaluated 2025-04-03.

Conditions:
Inborn genetic diseases. Identifiers: MedGen C0950123, MeSH D030342.
Mosaic variegated aneuploidy syndrome 1 (MVA1). Also called: Warburton-Anyane-Yeboa syndrome. Identifiers: Orphanet 1052, MedGen C1850343, MONDO:0009759, OMIM 257300.

gnomAD v4.1: 2 of 1,613,170 alleles (0.00012%); highest among the groups gnomAD compares: Non-Finnish European, 0.00017%; no homozygotes.

Submissions (2):

Ambry Genetics
Classification: Uncertain significance for Inborn genetic diseases. Last evaluated: 2025-04-03. Review status: criteria provided, single submitter. Criteria: Ambry Variant Classification Scheme 2023. Collection method: clinical testing. Allele origin: germline.
Comment: The p.G8W variant (also known as c.22G>T), located in coding exon 1 of the BUB1B gene, results from a G to T substitution at nucleotide position 22. The glycine at codon 8 is replaced by tryptophan, an amino acid with highly dissimilar properties. This amino acid position is conserved. In addition, this alteration is predicted to be tolerated by in silico analysis. Based on the available evidence, the clinical significance of this variant remains unclear.

Labcorp Genetics (formerly Invitae), Labcorp
Classification: Uncertain significance for Mosaic variegated aneuploidy syndrome 1. Last evaluated: 2022-10-01. Review status: criteria provided, single submitter. Criteria: Invitae Variant Classification Sherloc (09022015). Collection method: clinical testing. Allele origin: germline.
Comment: In summary, the available evidence is currently insufficient to determine the role of this variant in disease. Therefore, it has been classified as a Variant of Uncertain Significance. Algorithms developed to predict the effect of missense changes on protein structure and function (SIFT, PolyPhen-2, Align-GVGD) all suggest that this variant is likely to be tolerated. This variant has not been reported in the literature in individuals affected with BUB1B-related conditions. This variant is not present in population databases (gnomAD no frequency). This sequence change replaces glycine, which is neutral and non-polar, with tryptophan, which is neutral and slightly polar, at codon 8 of the BUB1B protein (p.Gly8Trp).